The following is an entry in ClinVar:

ClinVar aggregate classification (germline): Pathogenic/Likely pathogenic. Review status: criteria provided, multiple submitters, no conflicts (2 of 4 stars). 2 submissions from 2 submitters: Pathogenic (1); Likely pathogenic (1). Last evaluated 2023-10-22.

Conditions:
Werner syndrome (WRN). Identifiers: Orphanet 902, MedGen C0043119, MONDO:0010196, OMIM 277700.

Submissions (2):

Baylor Genetics
Classification: Likely pathogenic for Werner syndrome. Last evaluated: 2023-10-22. Review status: criteria provided, single submitter. Criteria: ACMG Guidelines, 2015. Collection method: clinical testing. Allele origin: unknown.

Labcorp Genetics (formerly Invitae), Labcorp
Classification: Pathogenic for Werner syndrome. Last evaluated: 2023-09-15. Review status: criteria provided, single submitter. Criteria: Invitae Variant Classification Sherloc (09022015). Collection method: clinical testing. Allele origin: germline.
Comment: This sequence change creates a premature translational stop signal (p.Leu155*) in the WRN gene. It is expected to result in an absent or disrupted protein product. Loss-of-function variants in WRN are known to be pathogenic (PMID: 16673358). This variant is not present in population databases (gnomAD no frequency). This variant has not been reported in the literature in individuals affected with WRN-related conditions. For these reasons, this variant has been classified as Pathogenic.

Literature cited by the submitters: PubMed 16673358 (cited by Labcorp Genetics (formerly Invitae), Labcorp).

NM_000553.6(WRN):c.464T>A (p.Leu155Ter)

Gene: WRN (WRN RecQ like helicase; plus strand). Cytogenetic location: 8p12.
Variant type: single nucleotide variant.
Coding change: c.464T>A on transcript NM_000553.6 (MANE Select); coding-DNA position 464, T replaced by A.
Protein change: p.Leu155Ter; replaces leucine 155 with a stop codon.
Molecular consequence: nonsense.
Genome position (GRCh38, 1-based): chr8:31,065,023, T>A. VCF-style: chr8-31065023-T-A. GRCh37 (hg19) VCF-style: chr8-30922539-T-A.
Other names: short protein forms L155*.
Identifiers: ClinVar variation 2679584 (VCV002679584.4), dbSNP rs1585409238, ClinGen allele CA370914950.
Genomic context (GRCh38, chr8:31,065,023, plus strand): 5'-AGGCAGGTGTAGGAATTGAAGGAGATCAGTGGAAACTTCTACGTGACTTTGATATCAAAT[T>A]GAAGAATTTTGTGGAGTTGACAGATGTTGCCAATAAAAAGGTAAAAGCAATATATATATA-3'